The following is an entry in ClinVar:

NM_006852.6(TLK2):c.1108G>A (p.Ala370Thr)

Gene: TLK2 (tousled like kinase 2; plus strand). Cytogenetic location: 17q23.2.
Variant type: single nucleotide variant.
Coding change: c.1108G>A on transcript NM_006852.6 (MANE Select); coding-DNA position 1108, G replaced by A.
Protein change: p.Ala370Thr; replaces alanine 370 with threonine.
Molecular consequence: missense variant.
Genome position (GRCh38, 1-based): chr17:62,573,354, G>A. VCF-style: chr17-62573354-G-A. GRCh37 (hg19) VCF-style: chr17-60650715-G-A.
Other names: c.1108G>A, p.Ala370Thr (NM_001284333.3, NM_001375270.1, NM_001375271.1); c.1012G>A, p.Ala338Thr (NM_001284363.1, NM_001375272.1, NM_001438203.1 and 1 more transcripts); c.661G>A, p.Ala221Thr (NM_001330418.3, NM_001375273.1); c.1150G>A, p.Ala384Thr (NM_001375269.1); c.823G>A, p.Ala275Thr (NM_001411074.1); c.919G>A, p.Ala307Thr (NM_001438205.1); short protein forms A221T, A275T, A307T, A338T, A370T, A384T.
Identifiers: ClinVar variation 4854084 (VCV004854084.1).
Genomic context (GRCh38, chr17:62,573,354, plus strand): 5'-ATGGGTCAGGCCCCTCCTGCAACCAATGAGCAGAAACAGCGGAAAAGCAAGACCAATGGA[G>A]CTGAAAATGAAACGTATGTTCTTTATTGACGTGAACGCTGAGACACCACACCCTGCCCCC-3'
Protein context (NP_006843.2, residues 360-380): QKQRKSKTNG[Ala370Thr]ENETLTLAEY

ClinVar aggregate classification (germline): Uncertain significance (1 of 4 stars; one submission).

Conditions:
Intellectual developmental disorder, autosomal dominant 57. Also called: MENTAL RETARDATION, AUTOSOMAL DOMINANT 57; Intellectual disability, autosomal dominant 57. Identifiers: MedGen C4748003, MONDO:0054837, OMIM 618050.

Submission:

3billion
Classification: Uncertain significance for Intellectual developmental disorder, autosomal dominant 57. Last evaluated: 2025-10-03. Review status: criteria provided, single submitter. Criteria: ACMG Guidelines, 2015. Collection method: clinical testing. Allele origin: germline. Affected: yes.
Comment: The variant is observed at an extremely low frequency in the gnomAD v4.1.0 dataset (total allele frequency: <0.001%). Predicted Consequence/Location: Missense variant In silico tool prediction suggests damaging effect of the variant on gene or gene product [3Cnet: 0.99 (> 0.75, sensitivity 0.96 and precision 0.92)]. Therefore, this variant is classified as VUS according to the recommendation of ACMG/AMP guideline.